The following is an entry in ClinVar:

ClinVar aggregate classification (germline): Uncertain significance. Review status: criteria provided, multiple submitters, no conflicts (2 of 4 stars). 2 submissions from 2 submitters: Uncertain significance (2). Last evaluated 2024-07-08.

Conditions:
Sucrase-isomaltase deficiency (CSID). Also called: Deficiency of isomaltase; SI DEFICIENCY; Congenital sucrose isomaltose malabsorption; Sucrose isomaltose enzyme deficiency. Identifiers: Orphanet 35122, MedGen C1283620, MONDO:0009114, OMIM 222900.

Allele frequency attached by ClinVar (database versions not stated): gnomAD 0.00001 and 0.00002; ExAC 0.00003; TOPMed 0.00003; gnomAD exomes 0.00004; ESP Exome Variant Server 0.00008.
gnomAD v4.1: 34 of 1,613,130 alleles (0.0021%); highest among the groups gnomAD compares: East Asian, 0.0045%; no homozygotes.

Submissions (2):

Labcorp Genetics (formerly Invitae), Labcorp
Classification: Uncertain significance. Last evaluated: 2024-07-08. Review status: criteria provided, single submitter. Criteria: Invitae Variant Classification Sherloc (09022015). Collection method: clinical testing. Allele origin: germline.
Comment: This sequence change replaces valine, which is neutral and non-polar, with isoleucine, which is neutral and non-polar, at codon 1188 of the SI protein (p.Val1188Ile). This variant is present in population databases (rs372654793, gnomAD 0.06%). This variant has not been reported in the literature in individuals affected with SI-related conditions. ClinVar contains an entry for this variant (Variation ID: 1386029). Algorithms developed to predict the effect of missense changes on protein structure and function output the following: SIFT: "Not Available"; PolyPhen-2: "Benign"; Align-GVGD: "Not Available". The isoleucine amino acid residue is found in multiple mammalian species, which suggests that this missense change does not adversely affect protein function. In summary, the available evidence is currently insufficient to determine the role of this variant in disease. Therefore, it has been classified as a Variant of Uncertain Significance.

Fulgent Genetics
Classification: Uncertain significance for Sucrase-isomaltase deficiency. Last evaluated: 2024-04-29. Review status: criteria provided, single submitter. Criteria: ACMG Guidelines, 2015. Collection method: clinical testing. Allele origin: germline.

NM_001041.4(SI):c.3562G>A (p.Val1188Ile)

Gene: SI (sucrase-isomaltase; minus strand). Cytogenetic location: 3q26.1.
Variant type: single nucleotide variant.
Coding change: c.3562G>A on transcript NM_001041.4 (MANE Select); coding-DNA position 3562, G replaced by A.
Protein change: p.Val1188Ile; replaces valine 1188 with isoleucine.
Molecular consequence: missense variant.
Genome position (GRCh38, 1-based): chr3:165,017,832, C>T on the plus strand (G>A on the coding strand, the complement: SI is on the minus strand). VCF-style: chr3-165017832-C-T. GRCh37 (hg19) VCF-style: chr3-164735620-C-T.
Other names: short protein forms V1188I.
Identifiers: ClinVar variation 1386029 (VCV001386029.5), dbSNP rs372654793, ClinGen allele CA2690218.